The following is an entry in ClinVar:

ClinVar aggregate classification (germline): Uncertain significance (1 of 4 stars; one submission).

gnomAD v4.1: 21 of 1,614,012 alleles (0.0013%); highest among the groups gnomAD compares: Non-Finnish European, 0.0017%; no homozygotes.

Submission:

Labcorp Genetics (formerly Invitae), Labcorp
Classification: Uncertain significance. Last evaluated: 2025-10-29. Review status: criteria provided, single submitter. Criteria: Invitae Variant Classification Sherloc (09022015). Collection method: clinical testing. Allele origin: germline.
Comment: This sequence change replaces arginine, which is basic and polar, with glutamine, which is neutral and polar, at codon 13 of the IRF9 protein (p.Arg13Gln). This variant is not present in population databases (gnomAD no frequency). This variant has not been reported in the literature in individuals affected with IRF9-related conditions. An algorithm developed to predict the effect of missense changes on protein structure and function (PolyPhen-2) suggests that this variant is likely to be disruptive. In summary, the available evidence is currently insufficient to determine the role of this variant in disease. Therefore, it has been classified as a Variant of Uncertain Significance.

NM_006084.5(IRF9):c.38G>A (p.Arg13Gln)

Gene: IRF9 (interferon regulatory factor 9; plus strand). Cytogenetic location: 14q12.
Variant type: single nucleotide variant.
Coding change: c.38G>A on transcript NM_006084.5 (MANE Select); coding-DNA position 38, G replaced by A.
Protein change: p.Arg13Gln; replaces arginine 13 with glutamine.
Molecular consequence: missense variant.
Genome position (GRCh38, 1-based): chr14:24,162,182, G>A. VCF-style: chr14-24162182-G-A. GRCh37 (hg19) VCF-style: chr14-24631391-G-A.
Other names: c.38G>A, p.Arg13Gln (NM_001385400.1, NM_001385401.1, NM_001385402.1); short protein forms R13Q.
Identifiers: ClinVar variation 4779313 (VCV004779313.1).